The following is an entry in ClinVar:

NM_020738.4(KIDINS220):c.2593G>A (p.Val865Ile)

Gene: KIDINS220 (kinase D interacting substrate 220; minus strand). Cytogenetic location: 2p25.1.
Variant type: single nucleotide variant.
Coding change: c.2593G>A on transcript NM_020738.4 (MANE Select); coding-DNA position 2593, G replaced by A.
Protein change: p.Val865Ile; replaces valine 865 with isoleucine.
Molecular consequence: missense variant. On other transcripts: non-coding transcript variant (2).
Genome position (GRCh38, 1-based): chr2:8,778,917, C>T on the plus strand (G>A on the coding strand, the complement: KIDINS220 is on the minus strand). VCF-style: chr2-8778917-C-T. GRCh37 (hg19) VCF-style: chr2-8919047-C-T.
Other names: c.2596G>A, p.Val866Ile (NM_001348729.2, NM_001348731.2, NM_001348734.2 and 3 more transcripts); c.2593G>A, p.Val865Ile (NM_001348732.2, NM_001348735.2, NM_001348738.2 and 3 more transcripts); c.2467G>A, p.Val823Ile (NM_001348736.2); c.2593G>A (NM_020738.2); short protein forms V823I, V865I, V866I.
Identifiers: ClinVar variation 1803883 (VCV001803883.8), dbSNP rs369028313, ClinGen allele CA1519943.
Genomic context (GRCh38, chr2:8,778,917, plus strand): 5'-TATTTCAAACTCAAAGTACTTTAGGAGCCTGAGCTTTACCTGTAGTATCTGAGCATGGAA[C>T]GTCTCCATTTGTTGCTGAAGTTACGAGAAATTTTCTTGCATTGCTTAGTCCACGACTATT-3'
Protein context (NP_065789.1, residues 855-875): FLVTSATNGD[Val865Ile]PCSDTTGIQE

ClinVar aggregate classification (germline): Uncertain significance. Review status: criteria provided, multiple submitters, no conflicts (2 of 4 stars). 3 submissions from 3 submitters: Uncertain significance (2). 1 of the submissions does not count toward it. Last evaluated 2024-05-26.

Conditions:
Spastic paraplegia, intellectual disability, nystagmus, and obesity. Also called: Spastic paraplegia, intellectual disability, nystagmus, and obesity;. Identifiers: Orphanet 521390, MedGen C4284592, MONDO:0015007, OMIM 617296.
Ventriculomegaly and arthrogryposis. Identifiers: MedGen C5561973, MONDO:0859184, OMIM 619501.
KIDINS220-related disorder. Also called: KIDINS220-related condition.

Allele frequency attached by ClinVar (database versions not stated): ExAC 0.00007; gnomAD 0.00020; ESP Exome Variant Server 0.00025; TOPMed 0.00025; 1000 Genomes Project 0.00040; 1000 Genomes Project 30x 0.00062.
gnomAD v4.1: 62 of 1,614,148 alleles (0.0038%); highest among the groups gnomAD compares: African/African-American, 0.063%; no homozygotes.

Submissions (3):

Labcorp Genetics (formerly Invitae), Labcorp
Classification: Uncertain significance. Last evaluated: 2024-05-26. Review status: criteria provided, single submitter. Criteria: Invitae Variant Classification Sherloc (09022015). Collection method: clinical testing. Allele origin: germline.
Comment: This sequence change replaces valine, which is neutral and non-polar, with isoleucine, which is neutral and non-polar, at codon 865 of the KIDINS220 protein (p.Val865Ile). This variant is present in population databases (rs369028313, gnomAD 0.05%). This variant has not been reported in the literature in individuals affected with KIDINS220-related conditions. ClinVar contains an entry for this variant (Variation ID: 1803883). Algorithms developed to predict the effect of missense changes on protein structure and function output the following: SIFT: "Not Available"; PolyPhen-2: "Benign"; Align-GVGD: "Not Available". The isoleucine amino acid residue is found in multiple mammalian species, which suggests that this missense change does not adversely affect protein function. In summary, the available evidence is currently insufficient to determine the role of this variant in disease. Therefore, it has been classified as a Variant of Uncertain Significance.

New York Genome Center
Classification: Uncertain significance for Spastic paraplegia, intellectual disability, nystagmus, and obesity; Ventriculomegaly and arthrogryposis. Last evaluated: 2021-12-02. Review status: criteria provided, single submitter. Criteria: NYGC Assertion Criteria 2020. Collection method: clinical testing. Allele origin: germline. Observed: 1 heterozygote.

PreventionGenetics, part of Exact Sciences
Classification: Uncertain significance for KIDINS220-related condition. Last evaluated: 2024-04-30. Review status: no assertion criteria provided. Collection method: clinical testing. Allele origin: germline. Not counted in ClinVar's aggregate classification.
Comment: The KIDINS220 c.2593G>A variant is predicted to result in the amino acid substitution p.Val865Ile. To our knowledge, this variant has not been reported in the literature. This variant is reported in 0.054% of alleles in individuals of African descent in gnomAD, which may be too common to be an undocumented primary cause of disease. Although we suspect that this variant may be benign, at this time, the clinical significance of this variant is uncertain due to the absence of conclusive functional and genetic evidence.